The following is an entry in ClinVar:

NM_004464.4(FGF5):c.160_161del (p.Met54fs)

Gene: FGF5 (fibroblast growth factor 5; plus strand). Cytogenetic location: 4q21.21.
Variant type: Deletion.
Coding change: c.160_161del on transcript NM_004464.4 (MANE Select); coding-DNA positions 160 to 161, 2 bases deleted (AT; older notation c.160_161delAT).
Protein change: p.Met54fs; shifts the reading frame from methionine 54.
Molecular consequence: frameshift variant.
Genome position (GRCh38, 1-based): chr4:80,266,984-80,266,985, AT deleted; deleting any 2 consecutive bases within chr4:80,266,983-80,266,985 gives the same sequence; the c. name uses the placement nearest the transcript's 3' end. VCF-style (leftmost placement, unchanged base first): chr4-80266982-CTA-C. GRCh37 (hg19) VCF-style: chr4-81188136-CTA-C.
Other names: c.160_161del, p.Met54fs (NM_033143.2); short protein forms M54fs.
Identifiers: ClinVar variation 141411 (VCV000141411.3), dbSNP rs587777580, ClinGen allele CA165352.
Genomic context (GRCh38, chr4:80,266,982, plus strand): 5'-GACCCGCTGCCACTGATAGGAACCCTAGAGGCTCCAGCAGCAGACAGAGCAGCAGTAGCG[CTA>C]TGTCTTCCTCTTCTGCCTCCTCCTCCCCCGCAGCTTCTCTGGGCAGCCAAGGAAGTGGCT-3'

ClinVar aggregate classification (germline): Likely pathogenic. Review status: criteria provided, single submitter (1 of 4 stars). 2 submissions from 2 submitters: Likely pathogenic (1). 1 of the submissions does not count toward it. Last evaluated 2026-01-30.

Conditions:
Trichomegaly (TCMGLY). Identifiers: MedGen C0854699, MONDO:0008593, OMIM 190330.

Submissions (2):

Dasa
Classification: Likely pathogenic. Last evaluated: 2026-01-30. Review status: criteria provided, single submitter. Criteria: DASA Assertion Criteria. Collection method: clinical testing. Allele origin: germline.
Comment: NM_004464.4(FGF5):c.160_161del (p.Met54Valfs*105) is a frameshift variant in FGF5 predicted to alter the reading frame and introduce a premature termination codon and is predicted to result in an absent or altered protein product. Loss of function is an established disease mechanism for FGF5-associated disorders. Segregation data support an association with disease in the reported family/families. Also, this variant is rare in population databases. Based on the currently available evidence, this variant is classified as likely pathogenic.

OMIM
Classification: Pathogenic for TRICHOMEGALY. Last evaluated: 2014-07-22. Review status: no assertion criteria provided. Collection method: literature only. Allele origin: germline. Not counted in ClinVar's aggregate classification.

Literature cited by the submitters: PubMed 24989505 (cited by OMIM).